The following is an entry in ClinVar:

ClinVar aggregate classification (germline): Uncertain significance. Review status: criteria provided, multiple submitters, no conflicts (2 of 4 stars). 2 submissions from 2 submitters: Uncertain significance (2). Last evaluated 2019-10-25.

Conditions:
Cardiovascular phenotype. Identifiers: MedGen CN230736.
Brugada syndrome 4 (BRGDA4). Identifiers: Orphanet 130, MedGen C2678477, MONDO:0012743, OMIM 611876.

Allele frequency attached by ClinVar (database versions not stated): TOPMed 0.00001.
gnomAD v4.1: 5 of 1,614,006 alleles (0.00031%); highest among the groups gnomAD compares: Non-Finnish European, 0.00042%; no homozygotes.

Submissions (2):

Revvity Omics, Revvity
Classification: Uncertain significance for Brugada syndrome 4. Last evaluated: 2019-10-25. Review status: criteria provided, single submitter. Criteria: ACMG Guidelines, 2015. Collection method: clinical testing. Allele origin: germline.

Ambry Genetics
Classification: Uncertain significance for Cardiovascular phenotype. Last evaluated: 2015-06-30. Review status: criteria provided, single submitter. Criteria: Ambry Variant Classification Scheme 2023. Collection method: clinical testing. Allele origin: germline.
Comment: The p.A85S variant (also known as c.253G>T), located in coding exon 3 of the CACNB2 gene, results from a G to T substitution at nucleotide position 253. The alanine at codon 85 is replaced by serine, an amino acid with some similar properties. This variant was not reported in population based cohorts in the following databases: Database of Single Nucleotide Polymorphisms (dbSNP), NHLBI Exome Sequencing Project (ESP), and 1000 Genomes Project. In the ESP, this variant was not observed in 6503 samples (13006 alleles) with coverage at this position. This amino acid position is well conserved in available vertebrate species. In addition, the in silico prediction for this alteration is inconclusive. Since supporting evidence for this variant is limited at this time, its clinical significance is unclear.

NM_201596.3(CACNB2):c.415G>T (p.Ala139Ser)

Gene: CACNB2 (calcium voltage-gated channel auxiliary subunit beta 2; plus strand). Cytogenetic location: 10p12.31.
Variant type: single nucleotide variant.
Coding change: c.415G>T on transcript NM_201596.3 (MANE Select); coding-DNA position 415, G replaced by T.
Protein change: p.Ala139Ser; replaces alanine 139 with serine.
Molecular consequence: missense variant.
Genome position (GRCh38, 1-based): chr10:18,498,436, G>T. VCF-style: chr10-18498436-G-T. GRCh37 (hg19) VCF-style: chr10-18787365-G-T.
Other names: c.250G>T, p.Ala84Ser (NM_000724.4, NM_001330060.2); c.331G>T, p.Ala111Ser (NM_001167945.2, NM_201571.4, NM_201572.4); c.271G>T, p.Ala91Ser (NM_201570.3); c.253G>T, p.Ala85Ser (NM_201590.3); c.415G>T, p.Ala139Ser (NM_201593.3, NM_201597.3); short protein forms A139S, A85S, A84S, A91S, A111S.
Identifiers: ClinVar variation 264132 (VCV000264132.8), dbSNP rs886039055, ClinGen allele CA10587697.